The following is an entry in ClinVar:

ClinVar aggregate classification (germline): Uncertain significance (1 of 4 stars; one submission).

Submission:

Labcorp Genetics (formerly Invitae), Labcorp
Classification: Uncertain significance. Last evaluated: 2024-12-04. Review status: criteria provided, single submitter. Criteria: Invitae Variant Classification Sherloc (09022015). Collection method: clinical testing. Allele origin: germline.
Comment: This variant, c.423_425del, results in the deletion of 1 amino acid(s) of the GALNT12 protein (p.Ile142del), but otherwise preserves the integrity of the reading frame. This variant is not present in population databases (gnomAD no frequency). This variant has not been reported in the literature in individuals affected with GALNT12-related conditions. Experimental studies and prediction algorithms are not available or were not evaluated, and the functional significance of this variant is currently unknown. In summary, the available evidence is currently insufficient to determine the role of this variant in disease. Therefore, it has been classified as a Variant of Uncertain Significance.

NM_024642.5(GALNT12):c.423_425del (p.Ile142del)

Gene: GALNT12 (polypeptide N-acetylgalactosaminyltransferase 12; plus strand). Cytogenetic location: 9q22.33.
Variant type: Deletion.
Coding change: c.423_425del on transcript NM_024642.5 (MANE Select); coding-DNA positions 423 to 425, 3 bases deleted (CAT; older notation c.423_425delCAT).
Protein change: p.Ile142del; deletes isoleucine 142.
Genome position (GRCh38, 1-based): chr9:98,823,307-98,823,309, CAT deleted; deleting any 3 consecutive bases within chr9:98,823,305-98,823,309 gives the same sequence; the c. name uses the placement nearest the transcript's 3' end. VCF-style (leftmost placement, unchanged base first): chr9-98823304-TATC-T. GRCh37 (hg19) VCF-style: chr9-101585586-TATC-T.
Other names: short protein forms I142del.
Identifiers: ClinVar variation 3725889 (VCV003725889.2).